The following is an entry in ClinVar:

ClinVar aggregate classification (germline): Uncertain significance (1 of 4 stars; one submission).

Submission:

Labcorp Genetics (formerly Invitae), Labcorp
Classification: Uncertain significance. Last evaluated: 2022-08-31. Review status: criteria provided, single submitter. Criteria: Invitae Variant Classification Sherloc (09022015). Collection method: clinical testing. Allele origin: germline.
Comment: This sequence change replaces glutamic acid, which is acidic and polar, with glycine, which is neutral and non-polar, at codon 106 of the TUBGCP6 protein (p.Glu106Gly). This variant is not present in population databases (gnomAD no frequency). This variant has not been reported in the literature in individuals affected with TUBGCP6-related conditions. Algorithms developed to predict the effect of missense changes on protein structure and function are either unavailable or do not agree on the potential impact of this missense change (SIFT: "Tolerated"; PolyPhen-2: "Probably Damaging"; Align-GVGD: "Class C0"). In summary, the available evidence is currently insufficient to determine the role of this variant in disease. Therefore, it has been classified as a Variant of Uncertain Significance.

NM_020461.4(TUBGCP6):c.317A>G (p.Glu106Gly)

Gene: TUBGCP6 (tubulin gamma complex component 6; minus strand). Cytogenetic location: 22q13.33.
Variant type: single nucleotide variant.
Coding change: c.317A>G on transcript NM_020461.4 (MANE Select); coding-DNA position 317, A replaced by G.
Protein change: p.Glu106Gly; replaces glutamic acid 106 with glycine.
Molecular consequence: missense variant.
Genome position (GRCh38, 1-based): chr22:50,244,143, T>C on the plus strand (A>G on the coding strand, the complement: TUBGCP6 is on the minus strand). VCF-style: chr22-50244143-T-C. GRCh37 (hg19) VCF-style: chr22-50682572-T-C.
Other names: short protein forms E106G.
Identifiers: ClinVar variation 2130011 (VCV002130011.1), dbSNP rs2519212810, ClinGen allele CA412115846.